The following is an entry in ClinVar:

ClinVar aggregate classification (germline): Benign/Likely benign. Review status: criteria provided, multiple submitters, no conflicts (2 of 4 stars). 3 submissions from 3 submitters: Benign (1); Likely benign (2). Last evaluated 2026-07-06.

Conditions:
Rhabdoid tumor predisposition syndrome 2 (RTPS2). Identifiers: Orphanet 231108, Orphanet 69077, MedGen C2750074, MONDO:0013224, OMIM 613325.

Submissions (3):

Myriad Genetics, Inc.
Classification: Likely benign for Rhabdoid tumor predisposition syndrome 2. Last evaluated: 2026-07-06. Review status: criteria provided, single submitter. Criteria: Myriad Autosomal Dominant, Autosomal Recessive and X-Linked Classification Criteria (2023). Collection method: clinical testing. Allele origin: unknown.
Comment: This variant is considered likely benign. This variant is intronic and is not expected to impact mRNA splicing. This variant has been observed at a population frequency that is significantly greater than expected given the associated disease prevalence and penetrance.

Labcorp Genetics (formerly Invitae), Labcorp
Classification: Benign for Rhabdoid tumor predisposition syndrome 2. Last evaluated: 2026-02-03. Review status: criteria provided, single submitter. Criteria: Invitae Variant Classification Sherloc (09022015). Collection method: clinical testing. Allele origin: germline.

Blueprint Genetics
Classification: Likely benign. Last evaluated: 2024-10-11. Review status: criteria provided, single submitter. Criteria: ACMG Guidelines, 2015. Collection method: clinical testing. Allele origin: germline.

NM_003072.5(SMARCA4):c.1594-18dup

Gene: SMARCA4 (SWI/SNF related BAF chromatin remodeling complex subunit ATPase 4; plus strand). Cytogenetic location: 19p13.2.
Variant type: Duplication.
Coding change: c.1594-18dup on transcript NM_003072.5 (MANE Select); 18 bases into the intron before coding-DNA position 1594, one base duplicated (A; older notation c.1594-18dupA).
Molecular consequence: intron variant.
Genome position (GRCh38, 1-based): chr19:10,996,195, A duplicated; the last of 2 consecutive A bases (chr19:10,996,194-10,996,195); duplicating either gives the same sequence. VCF-style (leftmost placement, unchanged base first): chr19-10996193-T-TA. GRCh37 (hg19) VCF-style: chr19-11106869-T-TA.
Other names: c.1594-18dup (NM_001128844.3, NM_001128849.3, NM_001128847.4 and 5 more transcripts).
Identifiers: ClinVar variation 1562595 (VCV001562595.10), dbSNP rs778456116, ClinGen allele CA9203841.